The following is an entry in ClinVar:

NM_001953.5(TYMP):c.11TGA[1] (p.Met5del)

Gene: TYMP (thymidine phosphorylase; minus strand). Cytogenetic location: 22q13.33.
Variant type: Microsatellite.
Coding change: c.11TGA[1] on transcript NM_001953.5 (MANE Select); one copy of the 3-base unit TGA starting at c.11; the reference has two copies in a row; one copy, 3 bases deleted.
Protein change: p.Met5del; deletes methionine 5.
Molecular consequence: inframe deletion.
Genome position (GRCh38, 1-based): chr22:50,529,694-50,529,696, TCA deleted on the plus strand (TGA on the coding strand, the reverse complement: TYMP is on the minus strand); deleting any 3 consecutive bases within chr22:50,529,694-50,529,699 gives the same sequence; the position shown is the placement nearest the transcript's 3' end. VCF-style (leftmost placement, unchanged base first): chr22-50529693-GTCA-G. GRCh37 (hg19) VCF-style: chr22-50968122-GTCA-G.
Other names: c.11TGA[1], p.Met5del (NM_001113755.3, NM_001113756.3, NM_001257988.1 and 1 more transcripts); short protein forms M5del.
Identifiers: ClinVar variation 2125077 (VCV002125077.1), dbSNP rs754462773, ClinGen allele CA10321897.

ClinVar aggregate classification (germline): Uncertain significance (1 of 4 stars; one submission).

Submission:

Labcorp Genetics (formerly Invitae), Labcorp
Classification: Uncertain significance. Last evaluated: 2022-08-01. Review status: criteria provided, single submitter. Criteria: Invitae Variant Classification Sherloc (09022015). Collection method: clinical testing. Allele origin: germline.
Comment: This variant, c.14_16del, results in the deletion of 1 amino acid(s) of the TYMP protein (p.Met5del), but otherwise preserves the integrity of the reading frame. This variant is present in population databases (rs754462773, gnomAD 0.0009%). This variant has not been reported in the literature in individuals affected with TYMP-related conditions. Experimental studies and prediction algorithms are not available or were not evaluated, and the functional significance of this variant is currently unknown. In summary, the available evidence is currently insufficient to determine the role of this variant in disease. Therefore, it has been classified as a Variant of Uncertain Significance.